The following is an entry in ClinVar:

ClinVar aggregate classification (germline): Benign/Likely benign. Review status: criteria provided, multiple submitters, no conflicts (2 of 4 stars). 15 submissions from 14 submitters: Benign (11); Likely benign (2). 2 of the submissions do not count toward it. Last evaluated 2026-09-01.

Conditions:
Adams-Oliver syndrome 5 (AOS5). Identifiers: Orphanet 974, MedGen C4014970, MONDO:0014459, OMIM 616028.
Aortic valve disease 1 (AOVD1). Identifiers: MedGen C3887892, MONDO:0024523, OMIM 109730.
Familial thoracic aortic aneurysm and aortic dissection (TAAD). Also called: Thoracic aortic aneurysms and dissections. Identifiers: Orphanet 91387, MedGen C4707243, MONDO:0019625.

Allele frequency attached by ClinVar (database versions not stated): gnomAD 0.00955 and 0.00992; gnomAD exomes 0.01074; ExAC 0.01222; 1000 Genomes Project 30x 0.00281; 1000 Genomes Project 0.00319; TOPMed 0.00598; ESP Exome Variant Server 0.00847.
gnomAD v4.1: 19,238 of 1,609,178 alleles (1.2%); highest among the groups gnomAD compares: Non-Finnish European, 1.3%; 190 homozygotes.

Submissions (15):

CeGaT Center for Human Genetics Tuebingen
Classification: Benign. Last evaluated: 2026-09-01. Review status: criteria provided, single submitter. Criteria: CeGaT Center For Human Genetics Tuebingen Variant Classification Criteria Version 2. Collection method: clinical testing. Allele origin: germline. Affected: yes. Observed: 25 variant alleles.
Comment: NOTCH1: BP4, BP7, BS1, BS2

Labcorp Genetics (formerly Invitae), Labcorp
Classification: Benign for Adams-Oliver syndrome 5. Last evaluated: 2026-02-03. Review status: criteria provided, single submitter. Criteria: Invitae Variant Classification Sherloc (09022015). Collection method: clinical testing. Allele origin: germline.

ARUP Laboratories, Molecular Genetics and Genomics, ARUP Laboratories
Classification: Benign. Last evaluated: 2025-06-26. Review status: criteria provided, single submitter. Criteria: ARUP Molecular Germline Variant Investigation Process 2024. Collection method: clinical testing. Allele origin: germline.

Blueprint Genetics
Classification: Likely benign. Last evaluated: 2024-11-27. Review status: criteria provided, single submitter. Criteria: ACMG Guidelines, 2015. Collection method: clinical testing. Allele origin: germline.

Women's Health and Genetics/Laboratory Corporation of America, LabCorp
Classification: Benign. Last evaluated: 2023-07-21. Review status: criteria provided, single submitter. Criteria: LabCorp Variant Classification Summary - May 2015. Collection method: clinical testing. Allele origin: germline.

Mayo Clinic Laboratories, Mayo Clinic
Classification: Benign. Last evaluated: 2022-08-18. Review status: criteria provided, single submitter. Criteria: ACMG Guidelines, 2015. Collection method: clinical testing. Allele origin: germline. Observed: 26 variant alleles.
Comment: BS1, BS2, BP4, BP7

Genome-Nilou Lab
Classification: Benign for Adams-Oliver syndrome 5. Last evaluated: 2022-03-15. Review status: criteria provided, single submitter. Criteria: ACMG Guidelines, 2015. Collection method: clinical testing. Allele origin: germline. Affected: no.

Genome-Nilou Lab
Classification: Benign for Aortic valve disease 1. Last evaluated: 2022-03-15. Review status: criteria provided, single submitter. Criteria: ACMG Guidelines, 2015. Collection method: clinical testing. Allele origin: germline. Affected: no.

Fulgent Genetics
Classification: Likely benign for Aortic valve disease 1; Adams-Oliver syndrome 5. Last evaluated: 2021-07-19. Review status: criteria provided, single submitter. Criteria: ACMG Guidelines, 2015. Collection method: clinical testing. Allele origin: unknown.

GeneDx
Classification: Benign. Last evaluated: 2016-10-04. Review status: criteria provided, single submitter. Criteria: GeneDx Variant Classification (06012015). Collection method: clinical testing. Allele origin: germline. Affected: yes.
Comment: This variant is considered likely benign or benign based on one or more of the following criteria: it is a conservative change, it occurs at a poorly conserved position in the protein, it is predicted to be benign by multiple in silico algorithms, and/or has population frequency not consistent with disease.

CHEO Genetics Diagnostic Laboratory, Children's Hospital of Eastern Ontario
Classification: Benign for Familial thoracic aortic aneurysm and aortic dissection. Last evaluated: 2016-04-08. Review status: criteria provided, single submitter. Criteria: ACMG Guidelines, 2015. Collection method: clinical testing. Allele origin: germline. Study: Canadian Open Genetics Repository.

Ambry Genetics
Classification: Benign for Familial thoracic aortic aneurysm and aortic dissection. Last evaluated: 2015-04-14. Review status: criteria provided, single submitter. Criteria: Ambry Variant Classification Scheme 2023. Collection method: clinical testing. Allele origin: germline.

Breakthrough Genomics
Classification: Benign. Review status: criteria provided, single submitter. Criteria: ACMG Guidelines, 2015. Collection method: not provided. Allele origin: germline. Inheritance: Autosomal dominant inheritance. Affected: yes.

Clinical Genetics DNA and cytogenetics Diagnostics Lab, Erasmus MC, Erasmus Medical Center
Classification: Benign. Review status: no assertion criteria provided. Collection method: clinical testing. Allele origin: germline. Affected: yes. Study: VKGL Data-share Consensus. Not counted in ClinVar's aggregate classification.

Genome Diagnostics Laboratory, Amsterdam University Medical Center
Classification: Benign. Review status: no assertion criteria provided. Collection method: clinical testing. Allele origin: germline. Affected: yes. Study: VKGL Data-share Consensus. Not counted in ClinVar's aggregate classification.

Literature cited by the submitters: PubMed 24943832 (cited by Women's Health and Genetics/Laboratory Corporation of America, LabCorp); PubMed 16614245 (cited by Women's Health and Genetics/Laboratory Corporation of America, LabCorp); PubMed 21670202 (cited by Women's Health and Genetics/Laboratory Corporation of America, LabCorp); PubMed 22210878 (cited by Women's Health and Genetics/Laboratory Corporation of America, LabCorp); PubMed 19635999 (cited by Women's Health and Genetics/Laboratory Corporation of America, LabCorp); PubMed 26837699 (cited by Women's Health and Genetics/Laboratory Corporation of America, LabCorp); PubMed 23086750 (cited by Women's Health and Genetics/Laboratory Corporation of America, LabCorp); PubMed 19245433 (cited by Women's Health and Genetics/Laboratory Corporation of America, LabCorp); PubMed 22077063 (cited by Women's Health and Genetics/Laboratory Corporation of America, LabCorp); PubMed 15472075 (cited by Women's Health and Genetics/Laboratory Corporation of America, LabCorp); PubMed 23734977 (cited by Women's Health and Genetics/Laboratory Corporation of America, LabCorp); PubMed 22858860 (cited by Women's Health and Genetics/Laboratory Corporation of America, LabCorp).

NM_017617.5(NOTCH1):c.1665G>A (p.Thr555=)

Gene: NOTCH1 (notch receptor 1; minus strand). Cytogenetic location: 9q34.3.
Variant type: single nucleotide variant.
Coding change: c.1665G>A on transcript NM_017617.5 (MANE Select); coding-DNA position 1665, G replaced by A.
Protein change: p.Thr555=; no amino-acid change (threonine 555 retained).
Molecular consequence: synonymous variant.
Genome position (GRCh38, 1-based): chr9:136,515,985, C>T on the plus strand (G>A on the coding strand, the complement: NOTCH1 is on the minus strand). VCF-style: chr9-136515985-C-T. GRCh37 (hg19) VCF-style: chr9-139410437-C-T.
Other names: p.Thr555=; c.1665G>A (NM_017617.4); c.1665G>A, p.Thr555= (LRG_1122t1).
Identifiers: ClinVar variation 241119 (VCV000241119.53), dbSNP rs148331061, ClinGen allele CA5341695.